The following is an entry in ClinVar:

NM_002439.5(MSH3):c.1468_1469insAT (p.Ser490fs)

Gene: MSH3 (mutS homolog 3; plus strand). Cytogenetic location: 5q14.1.
Variant type: Insertion.
Coding change: c.1468_1469insAT on transcript NM_002439.5 (MANE Select); coding-DNA positions 1468 to 1469, AT inserted.
Protein change: p.Ser490fs; shifts the reading frame from serine 490.
Molecular consequence: frameshift variant.
Genome position: GRCh38 VCF-style: chr5-80728864-T-TTA. GRCh37 (hg19) VCF-style: chr5-80024683-T-TTA.
Other names: c.1468_1469insAT (NM_002439.3); short protein forms S490fs.
Identifiers: ClinVar variation 2419981 (VCV002419981.8), dbSNP rs1743352460, ClinGen allele CA1558494733.

ClinVar aggregate classification (germline): Pathogenic. Review status: criteria provided, multiple submitters, no conflicts (2 of 4 stars). 3 submissions from 3 submitters: Pathogenic (3). Last evaluated 2026-01-13.

Conditions:
Hereditary cancer-predisposing syndrome. Also called: Tumor predisposition; Hereditary Cancer Syndrome; Neoplastic Syndromes, Hereditary; Hereditary neoplastic syndrome. Identifiers: Orphanet 140162, MedGen C0027672, MeSH D009386, MONDO:0015356.
Familial adenomatous polyposis 4 (FAP4). Also called: MSH3-related attenuated familial adenomatous polyposis. Identifiers: Orphanet 480536, MedGen C4310719, MONDO:0044300, OMIM 617100.

Submissions (3):

Labcorp Genetics (formerly Invitae), Labcorp
Classification: Pathogenic. Last evaluated: 2026-01-13. Review status: criteria provided, single submitter. Criteria: Invitae Variant Classification Sherloc (09022015). Collection method: clinical testing. Allele origin: germline.
Comment: This sequence change creates a premature translational stop signal (p.Ser490Tyrfs*7) in the MSH3 gene. It is expected to result in an absent or disrupted protein product. Loss-of-function variants in MSH3 are known to be pathogenic (PMID: 27476653, 37402566). This variant is not present in population databases (gnomAD no frequency). This variant has not been reported in the literature in individuals affected with MSH3-related conditions. ClinVar contains an entry for this variant (Variation ID: 2419981). For these reasons, this variant has been classified as Pathogenic.

Ambry Genetics
Classification: Pathogenic for Hereditary cancer-predisposing syndrome. Last evaluated: 2025-10-06. Review status: criteria provided, single submitter. Criteria: Ambry Variant Classification Scheme 2023. Collection method: clinical testing. Allele origin: germline.
Comment: The c.1468_1469insAT pathogenic mutation, located in coding exon 10 of the MSH3 gene, results from an insertion of two nucleotides at position 1468, causing a translational frameshift with a predicted alternate stop codon (p.S490Yfs*7). This variant is considered to be rare based on population cohorts in the Genome Aggregation Database (gnomAD). This alteration is expected to result in loss of function by premature protein truncation or nonsense-mediated mRNA decay. As such, this alteration is interpreted as a disease-causing mutation.

Myriad Genetics, Inc.
Classification: Pathogenic for Familial adenomatous polyposis 4. Last evaluated: 2023-08-30. Review status: criteria provided, single submitter. Criteria: Myriad Autosomal Dominant, Autosomal Recessive and X-Linked Classification Criteria (2023). Collection method: clinical testing. Allele origin: unknown.
Comment: This variant is considered pathogenic. This variant creates a frameshift predicted to result in premature protein truncation.

Literature cited by the submitters: PubMed 27476653 (cited by Labcorp Genetics (formerly Invitae), Labcorp); PubMed 37402566 (cited by Labcorp Genetics (formerly Invitae), Labcorp).